The following is an entry in ClinVar:

ClinVar aggregate classification (germline): Uncertain significance. Review status: criteria provided, multiple submitters, no conflicts (2 of 4 stars). 3 submissions from 3 submitters: Uncertain significance (3). Last evaluated 2024-09-30.

Conditions:
Microcephaly, normal intelligence and immunodeficiency (NBS). Also called: Nijmegen breakage syndrome; Microcephaly with normal intelligence immunodeficiency and lymphoreticular malignancies; Nonsyndromal microcephaly autosomal recessive with normal intelligence; Seemanova syndrome 2; Ataxia telangiectasia variant V1; BERLIN BREAKAGE SYNDROME. Identifiers: Orphanet 647, MedGen C0398791, MONDO:0009623, OMIM 251260.
Hereditary cancer-predisposing syndrome. Also called: Neoplastic Syndromes, Hereditary; Hereditary Cancer Syndrome; Hereditary neoplastic syndrome; Tumor predisposition. Identifiers: Orphanet 140162, MedGen C0027672, MeSH D009386, MONDO:0015356.

gnomAD v4.1: 3 of 1,613,204 alleles (0.00019%); highest among the groups gnomAD compares: Non-Finnish European, 0.00025%; no homozygotes.

Submissions (3):

Ambry Genetics
Classification: Uncertain significance for Hereditary cancer-predisposing syndrome. Last evaluated: 2024-09-30. Review status: criteria provided, single submitter. Criteria: Ambry Variant Classification Scheme 2023. Collection method: clinical testing. Allele origin: germline.
Comment: The p.Q134R variant (also known as c.401A>G), located in coding exon 4 of the NBN gene, results from an A to G substitution at nucleotide position 401. The glutamine at codon 134 is replaced by arginine, an amino acid with highly similar properties. This amino acid position is well conserved in available vertebrate species. In addition, this alteration is predicted to be tolerated by in silico analysis. Since supporting evidence is limited at this time, the clinical significance of this alteration remains unclear.

Genome-Nilou Lab
Classification: Uncertain significance for Microcephaly, normal intelligence and immunodeficiency. Last evaluated: 2021-11-07. Review status: criteria provided, single submitter. Criteria: ACMG Guidelines, 2015. Collection method: clinical testing. Allele origin: germline. Affected: no.

Labcorp Genetics (formerly Invitae), Labcorp
Classification: Uncertain significance for Microcephaly, normal intelligence and immunodeficiency. Last evaluated: 2020-06-07. Review status: criteria provided, single submitter. Criteria: Invitae Variant Classification Sherloc (09022015). Collection method: clinical testing. Allele origin: germline.
Comment: This sequence change replaces glutamine with arginine at codon 134 of the NBN protein (p.Gln134Arg). The glutamine residue is weakly conserved and there is a small physicochemical difference between glutamine and arginine. This variant is not present in population databases (ExAC no frequency). This variant has not been reported in the literature in individuals with NBN-related conditions. ClinVar contains an entry for this variant (Variation ID: 824505). Algorithms developed to predict the effect of missense changes on protein structure and function output the following: SIFT: "Tolerated"; PolyPhen-2: "Possibly Damaging"; Align-GVGD: "Class C0". The arginine amino acid residue is found in multiple mammalian species, suggesting that this missense change does not adversely affect protein function. These predictions have not been confirmed by published functional studies and their clinical significance is uncertain. In summary, the available evidence is currently insufficient to determine the role of this variant in disease. Therefore, it has been classified as a Variant of Uncertain Significance.

NM_002485.5(NBN):c.401A>G (p.Gln134Arg)

Gene: NBN (nibrin; minus strand). Cytogenetic location: 8q21.3.
Variant type: single nucleotide variant.
Coding change: c.401A>G on transcript NM_002485.5 (MANE Select); coding-DNA position 401, A replaced by G.
Protein change: p.Gln134Arg; replaces glutamine 134 with arginine.
Molecular consequence: missense variant.
Genome position (GRCh38, 1-based): chr8:89,980,813, T>C on the plus strand (A>G on the coding strand, the complement: NBN is on the minus strand). VCF-style: chr8-89980813-T-C. GRCh37 (hg19) VCF-style: chr8-90993041-T-C.
Other names: c.155A>G, p.Gln52Arg (NM_001024688.3); short protein forms Q52R, Q134R.
Identifiers: ClinVar variation 824505 (VCV000824505.16), dbSNP rs1586106962, ClinGen allele CA371661897.